The following is an entry in ClinVar:

NM_005996.4(TBX3):c.593T>C (p.Met198Thr)

Gene: TBX3 (T-box transcription factor 3; minus strand). Cytogenetic location: 12q24.21.
Variant type: single nucleotide variant.
Coding change: c.593T>C on transcript NM_005996.4 (MANE Select); coding-DNA position 593, T replaced by C.
Protein change: p.Met198Thr; replaces methionine 198 with threonine.
Molecular consequence: missense variant.
Genome position (GRCh38, 1-based): chr12:114,680,943, A>G on the plus strand (T>C on the coding strand, the complement: TBX3 is on the minus strand). VCF-style: chr12-114680943-A-G. GRCh37 (hg19) VCF-style: chr12-115118748-A-G.
Other names: c.593T>C, p.Met198Thr (NM_016569.4); short protein forms M198T.
Identifiers: ClinVar variation 3966286 (VCV003966286.3).

ClinVar aggregate classification (germline): Uncertain significance. Review status: criteria provided, multiple submitters, no conflicts (2 of 4 stars). 2 submissions from 2 submitters: Uncertain significance (2). Last evaluated 2026-03-27.

Conditions:
Inborn genetic diseases. Identifiers: MedGen C0950123, MeSH D030342.

Submissions (2):

Dasa
Classification: Uncertain significance. Last evaluated: 2026-03-27. Review status: criteria provided, single submitter. Criteria: DASA Assertion Criteria. Collection method: clinical testing. Allele origin: germline.
Comment: NM_005996.4(TBX3):c.593T>C (p.Met198Thr) is a missense variant that results in the substitution of methionine with threonine. This variant is rare in population databases. Computational prediction algorithms are consistent with a deleterious effect. The currently available literature and clinical evidence are not sufficient to establish a definitive association between this variant and the reported condition. Therefore, this variant is classified as a variant of uncertain significance.

Ambry Genetics
Classification: Uncertain significance for Inborn genetic diseases. Last evaluated: 2025-04-30. Review status: criteria provided, single submitter. Criteria: Ambry Variant Classification Scheme 2023. Collection method: clinical testing. Allele origin: germline.